The following is an entry in ClinVar:

ClinVar aggregate classification (germline): Uncertain significance. Review status: no assertion criteria provided (0 of 4 stars). 2 submissions from 1 submitter: Uncertain significance (1). 1 of the submissions does not count toward it.

Submissions (2):

Richard Lifton Laboratory, Yale University School of Medicine
Classification: Uncertain significance. Review status: no assertion criteria provided. Collection method: not provided. Allele origin: somatic.
Comment: PTCHD1:p.I410I
ClinVar note: Converted during submission from unknown to Uncertain significance.

Richard Lifton Laboratory, Yale University School of Medicine
Classification: Uncertain significance. Review status: flagged submission. Collection method: not provided. Allele origin: somatic. Not counted in ClinVar's aggregate classification.
ClinVar note: Converted during submission from unknown to Uncertain significance.
ClinVar note: Reason: This record appears to be redundant with a more recent record from the same submitter.
ClinVar note: Notes: SCV000120117 appears to be redundant with SCV000155221.

NM_173495.3(PTCHD1):c.1230C>A (p.Ile410=)

Gene: PTCHD1 (patched domain containing 1; plus strand). Cytogenetic location: Xp22.11.
Variant type: single nucleotide variant.
Coding change: c.1230C>A on transcript NM_173495.3 (MANE Select); coding-DNA position 1230, C replaced by A.
Protein change: p.Ile410=; no amino-acid change (isoleucine 410 retained).
Molecular consequence: synonymous variant.
Genome position (GRCh38, 1-based): chrX:23,392,748, C>A. VCF-style: chrX-23392748-C-A. GRCh37 (hg19) VCF-style: chrX-23410865-C-A.
Identifiers: ClinVar variation 100892 (VCV000100892.2), dbSNP rs483352769, ClinGen allele CA229211.